The following is an entry in ClinVar:

NM_003560.4(PLA2G6):c.944C>T (p.Ser315Phe)

Gene: PLA2G6 (phospholipase A2 group VI; minus strand). Cytogenetic location: 22q13.1.
Variant type: single nucleotide variant.
Coding change: c.944C>T on transcript NM_003560.4 (MANE Select); coding-DNA position 944, C replaced by T.
Protein change: p.Ser315Phe; replaces serine 315 with phenylalanine.
Molecular consequence: missense variant.
Genome position (GRCh38, 1-based): chr22:38,132,964, G>A on the plus strand (C>T on the coding strand, the complement: PLA2G6 is on the minus strand). VCF-style: chr22-38132964-G-A. GRCh37 (hg19) VCF-style: chr22-38528971-G-A.
Other names: p.Ser315Phe; c.944C>T, p.Ser315Phe (NM_001004426.3, NM_001199562.3, NM_001349864.2 and 2 more transcripts); c.410C>T, p.Ser137Phe (NM_001349867.2, NM_001349869.2); c.266C>T, p.Ser89Phe (NM_001349868.2); short protein forms S137F, S315F, S89F.
Identifiers: ClinVar variation 3380721 (VCV003380721.1).

ClinVar aggregate classification (germline): Uncertain significance (1 of 4 stars; one submission).

gnomAD v4.1: 1 of 1,565,208 alleles (0.000064%); highest among the groups gnomAD compares: Non-Finnish European, 0.000087%; no homozygotes.

Submission:

Mayo Clinic Laboratories, Mayo Clinic
Classification: Uncertain significance. Last evaluated: 2024-05-30. Review status: criteria provided, single submitter. Criteria: ACMG Guidelines, 2015. Collection method: clinical testing. Allele origin: germline. Observed: 1 variant allele.
Comment: BP4